The following is an entry in ClinVar:

NM_002599.5(PDE2A):c.50C>T (p.Pro17Leu)

Gene: PDE2A (phosphodiesterase 2A; minus strand). Cytogenetic location: 11q13.4.
Variant type: single nucleotide variant.
Coding change: c.50C>T on transcript NM_002599.5 (MANE Select); coding-DNA position 50, C replaced by T.
Protein change: p.Pro17Leu; replaces proline 17 with leucine.
Molecular consequence: missense variant.
Genome position (GRCh38, 1-based): chr11:72,674,158, G>A on the plus strand (C>T on the coding strand, the complement: PDE2A is on the minus strand). VCF-style: chr11-72674158-G-A. GRCh37 (hg19) VCF-style: chr11-72385202-G-A.
Other names: c.50C>T (NM_002599.4); short protein forms P17L.
Identifiers: ClinVar variation 1513881 (VCV001513881.7), dbSNP rs1008268536, ClinGen allele CA224441869.

ClinVar aggregate classification (germline): Uncertain significance. Review status: criteria provided, multiple submitters, no conflicts (2 of 4 stars). 2 submissions from 2 submitters: Uncertain significance (2). Last evaluated 2023-08-04.

Conditions:
Inborn genetic diseases. Identifiers: MedGen C0950123, MeSH D030342.

Allele frequency attached by ClinVar (database versions not stated): gnomAD 0.00003.
gnomAD v4.1: 15 of 1,612,916 alleles (0.00093%); highest among the groups gnomAD compares: African/African-American, 0.0013%; no homozygotes.

Submissions (2):

Labcorp Genetics (formerly Invitae), Labcorp
Classification: Uncertain significance. Last evaluated: 2023-08-04. Review status: criteria provided, single submitter. Criteria: Invitae Variant Classification Sherloc (09022015). Collection method: clinical testing. Allele origin: germline.
Comment: In summary, the available evidence is currently insufficient to determine the role of this variant in disease. Therefore, it has been classified as a Variant of Uncertain Significance. An algorithm developed to predict the effect of missense changes on protein structure and function (PolyPhen-2) suggests that this variant is likely to be tolerated. ClinVar contains an entry for this variant (Variation ID: 1513881). This variant has not been reported in the literature in individuals affected with PDE2A-related conditions. This variant is not present in population databases (gnomAD no frequency). This sequence change replaces proline, which is neutral and non-polar, with leucine, which is neutral and non-polar, at codon 17 of the PDE2A protein (p.Pro17Leu).

Ambry Genetics
Classification: Uncertain significance for Inborn genetic diseases. Last evaluated: 2022-01-07. Review status: criteria provided, single submitter. Criteria: Ambry Variant Classification Scheme 2023. Collection method: clinical testing. Allele origin: germline.